The following is an entry in ClinVar:

ClinVar aggregate classification (germline): Likely benign (1 of 4 stars; one submission).

Conditions:
SLC16A1-related disorder. Also called: SLC16A1-related condition; SLC16A1-related disorders.

Submission:

PreventionGenetics, part of Exact Sciences
Classification: Likely benign for SLC16A1-related condition. Last evaluated: 2024-12-02. Review status: criteria provided, single submitter. Criteria: ACMG Guidelines, 2015. Collection method: clinical testing. Allele origin: germline.
Comment: This variant is classified as likely benign based on ACMG/AMP sequence variant interpretation guidelines (Richards et al. 2015 PMID: 25741868, with internal and published modifications).

NM_003051.4(SLC16A1):c.1494T>C (p.Ser498=)

Gene: SLC16A1 (solute carrier family 16 member 1; minus strand). Cytogenetic location: 1p13.2.
Variant type: single nucleotide variant.
Coding change: c.1494T>C on transcript NM_003051.4 (MANE Select); coding-DNA position 1494, T replaced by C.
Protein change: p.Ser498=; no amino-acid change (serine 498 retained).
Molecular consequence: synonymous variant.
Genome position (GRCh38, 1-based): chr1:112,913,900, A>G on the plus strand (T>C on the coding strand, the complement: SLC16A1 is on the minus strand). VCF-style: chr1-112913900-A-G. GRCh37 (hg19) VCF-style: chr1-113456522-A-G.
Other names: c.1494T>C, p.Ser498= (NM_001166496.2).
Identifiers: ClinVar variation 4983190 (VCV004983190.1).